The following is an entry in ClinVar:

ClinVar aggregate classification (germline): Uncertain significance (1 of 4 stars; one submission).

Conditions:
Werner syndrome (WRN). Identifiers: Orphanet 902, MedGen C0043119, MONDO:0010196, OMIM 277700.

Submission:

Labcorp Genetics (formerly Invitae), Labcorp
Classification: Uncertain significance for Werner syndrome. Last evaluated: 2021-10-23. Review status: criteria provided, single submitter. Criteria: Invitae Variant Classification Sherloc (09022015). Collection method: clinical testing. Allele origin: germline.
Comment: This sequence change falls in intron 33 of the WRN gene. It does not directly change the encoded amino acid sequence of the WRN protein. It affects a nucleotide within the consensus splice site of the intron. This variant is not present in population databases (ExAC no frequency). This variant has not been reported in the literature in individuals affected with WRN-related conditions. Variants that disrupt the consensus splice site are a relatively common cause of aberrant splicing (PMID: 17576681, 9536098). Algorithms developed to predict the effect of sequence changes on RNA splicing suggest that this variant is not likely to affect RNA splicing. In summary, the available evidence is currently insufficient to determine the role of this variant in disease. Therefore, it has been classified as a Variant of Uncertain Significance.

Literature cited by the submitters: PubMed 17576681; PubMed 9536098.

NM_000553.6(WRN):c.3982+6A>G

Gene: WRN (WRN RecQ like helicase; plus strand). Cytogenetic location: 8p12.
Variant type: single nucleotide variant.
Coding change: c.3982+6A>G on transcript NM_000553.6 (MANE Select); 6 bases into the intron after coding-DNA position 3982, A replaced by G.
Molecular consequence: intron variant.
Genome position (GRCh38, 1-based): chr8:31,157,536, A>G. VCF-style: chr8-31157536-A-G. GRCh37 (hg19) VCF-style: chr8-31015052-A-G.
Identifiers: ClinVar variation 1442114 (VCV001442114.6), dbSNP rs1803436301, ClinGen allele CA2573142751.
Genomic context (GRCh38, chr8:31,157,536, plus strand): 5'-CCAGAGGTTCAGAAGATTATTGCTGATGTTATCCGAAACCCTCCCGTCAACTCAGGTGAG[A>G]GGCATGGCCTAGCTCTGCACCCTTAATGACTTGATGAAGTAAACAAGCAATCCACTATAT-3'